The following is an entry in ClinVar:

ClinVar aggregate classification (germline): Benign. Review status: criteria provided, multiple submitters, no conflicts (2 of 4 stars). 2 submissions from 2 submitters: Benign (2). Last evaluated 2018-06-14.

Allele frequency attached by ClinVar (database versions not stated): 1000 Genomes Project 0.71965; 1000 Genomes Project 30x 0.73017; gnomAD 0.75948 and 0.76804; TOPMed 0.77035.
gnomAD v4.1: 706,087 of 985,444 alleles (72%); highest among the groups gnomAD compares: African/African-American, 94%; 254,810 homozygotes.

Submissions (2):

GeneDx
Classification: Benign. Last evaluated: 2018-06-14. Review status: criteria provided, single submitter. Criteria: GeneDx Variant Classification (06012015). Collection method: clinical testing. Allele origin: germline. Affected: yes.
Comment: This variant is considered likely benign or benign based on one or more of the following criteria: it is a conservative change, it occurs at a poorly conserved position in the protein, it is predicted to be benign by multiple in silico algorithms, and/or has population frequency not consistent with disease.

Breakthrough Genomics
Classification: Benign. Review status: criteria provided, single submitter. Criteria: ACMG Guidelines, 2015. Collection method: not provided. Allele origin: germline. Inheritance: Autosomal recessive inheritance. Affected: yes.

NM_000070.3(CAPN3):c.1783-893C>G

Gene: CAPN3 (calpain 3; plus strand). Cytogenetic location: 15q15.1.
Variant type: single nucleotide variant.
Coding change: c.1783-893C>G on transcript NM_000070.3 (MANE Select); 893 bases into the intron before coding-DNA position 1783, C replaced by G.
Molecular consequence: intron variant.
Genome position (GRCh38, 1-based): chr15:42,405,033, C>G. VCF-style: chr15-42405033-C-G. GRCh37 (hg19) VCF-style: chr15-42697231-C-G.
Other names: c.1782+1256C>G (NM_024344.2); c.1638+1256C>G (NM_173087.2); c.247-893C>G (NM_173088.2); c.-100+78C>G (NM_173090.2); c.-82+78C>G (NM_173089.2).
Identifiers: ClinVar variation 678277 (VCV000678277.2), dbSNP rs2412711, ClinGen allele CA14078409.